The following is an entry in ClinVar:

ClinVar aggregate classification (germline): Uncertain significance (1 of 4 stars; one submission).

Conditions:
Cardiovascular phenotype. Identifiers: MedGen CN230736.

Allele frequency attached by ClinVar (database versions not stated): gnomAD exomes below 0.00001; ExAC 0.00001.
gnomAD v4.1: 4 of 1,614,024 alleles (0.00025%); highest among the groups gnomAD compares: African/African-American, 0.0053%; no homozygotes.

Submission:

Ambry Genetics
Classification: Uncertain significance for Cardiovascular phenotype. Last evaluated: 2019-07-26. Review status: criteria provided, single submitter. Criteria: Ambry Variant Classification Scheme 2023. Collection method: clinical testing. Allele origin: germline.
Comment: The p.D284E variant (also known as c.852C>A), located in coding exon 2 of the KCNJ8 gene, results from a C to A substitution at nucleotide position 852. The aspartic acid at codon 284 is replaced by glutamic acid, an amino acid with highly similar properties. This amino acid position is not well conserved in available vertebrate species, and glutamic acid is the reference amino acid in other vertebrate species. In addition, this alteration is predicted to be tolerated by in silico analysis. Since supporting evidence is limited at this time, the clinical significance of this alteration remains unclear.

NM_004982.4(KCNJ8):c.852C>A (p.Asp284Glu)

Genes: KCNJ8 (potassium inwardly rectifying channel subfamily J member 8; minus strand), KCNJ8-AS1 (KCNJ8 antisense RNA 1; plus strand). Cytogenetic location: 12p12.1.
Variant type: single nucleotide variant.
Coding change: c.852C>A on transcript NM_004982.4 (MANE Select); coding-DNA position 852, C replaced by A.
Protein change: p.Asp284Glu; replaces aspartic acid 284 with glutamic acid.
Molecular consequence: missense variant.
Genome position (GRCh38, 1-based): chr12:21,766,146, G>T on the plus strand (C>A on the coding strand, the complement: KCNJ8 is on the minus strand). VCF-style: chr12-21766146-G-T. GRCh37 (hg19) VCF-style: chr12-21919080-G-T.
Identifiers: ClinVar variation 1763736 (VCV001763736.2), dbSNP rs777196966, ClinGen allele CA6480647.